The following is an entry in ClinVar:

CM000675.1:g.81919202_81952150dup

Variant type: Duplication.
Identifiers: ClinVar variation 157285 (VCV000157285.2).

ClinVar aggregate classification (germline): not provided (0 of 4 stars; one submission).

Conditions:
Large for gestational age. Identifiers: MedGen C1848395, HP:0001520.

Submission:

Institute of Molecular and Cell Biology, University of Tartu
No classification provided. Condition: Large for gestational age. Review status: no classification provided. Collection method: case-control. Allele origin: unknown. Affected: yes. Study: Kasak2014.
Comment: The study aimed to determine the contribution of copy number variants in the genetic etiology of normal and complicated pregnancies. The samples represented (i) maternal blood DNA drawn from healthy pregnant women during 1st or 2nd trimester and (ii) maternal and paternal blood DNA drawn at term pregnancy cases representing normal and complicated gestations (severe preeclampsia, PE; gestational diabetes, GD; small-for-gestational age newborn, SGA; large-for-gestational age newborn, LGA). We performed CNV calling based on genome-wide genotyping dataset (Illumina HumanOmniExpress-24-v1 BeadChip) by applying three algorithms, QuantiSNP, GADA (Genome Alteration Detection Algorithm) and CNstream in parallel. The acquired CNV calls were merged with HD-CNV (Hotspot Detector for Copy Number Variants) program and only the CNVs predicted by at least two programs, were considered in subsequent analysis.

Literature cited by the submitters: PubMed 25666259.